The following is an entry in ClinVar:

ClinVar aggregate classification (germline): Uncertain significance (1 of 4 stars; one submission).

Allele frequency attached by ClinVar (database versions not stated): gnomAD 0.00001; TOPMed 0.00002.
gnomAD v4.1: 7 of 1,613,890 alleles (0.00043%); highest among the groups gnomAD compares: Admixed American, 0.0067%; no homozygotes.

Submission:

Labcorp Genetics (formerly Invitae), Labcorp
Classification: Uncertain significance. Last evaluated: 2023-10-09. Review status: criteria provided, single submitter. Criteria: Invitae Variant Classification Sherloc (09022015). Collection method: clinical testing. Allele origin: germline.
Comment: This sequence change replaces methionine, which is neutral and non-polar, with leucine, which is neutral and non-polar, at codon 95 of the FZD2 protein (p.Met95Leu). This variant is present in population databases (no rsID available, gnomAD 0.009%). This variant has not been reported in the literature in individuals affected with FZD2-related conditions. Advanced modeling of protein sequence and biophysical properties (such as structural, functional, and spatial information, amino acid conservation, physicochemical variation, residue mobility, and thermodynamic stability) performed at Invitae indicates that this missense variant is not expected to disrupt FZD2 protein function. In summary, the available evidence is currently insufficient to determine the role of this variant in disease. Therefore, it has been classified as a Variant of Uncertain Significance.

NM_001466.4(FZD2):c.283A>T (p.Met95Leu)

Gene: FZD2 (frizzled class receptor 2; plus strand). Cytogenetic location: 17q21.31.
Variant type: single nucleotide variant.
Coding change: c.283A>T on transcript NM_001466.4 (MANE Select); coding-DNA position 283, A replaced by T.
Protein change: p.Met95Leu; replaces methionine 95 with leucine.
Molecular consequence: missense variant.
Genome position (GRCh38, 1-based): chr17:44,557,971, A>T. VCF-style: chr17-44557971-A-T. GRCh37 (hg19) VCF-style: chr17-42635339-A-T.
Other names: short protein forms M95L.
Identifiers: ClinVar variation 2909736 (VCV002909736.3), dbSNP rs1182259253, ClinGen allele CA399791343.